The following is an entry in ClinVar:

ClinVar aggregate classification (germline): Pathogenic (1 of 4 stars; one submission).

Conditions:
Neurofibromatosis, type 1 (NF1). Also called: Neurofibromatosis, type I; VON RECKLINGHAUSEN DISEASE; NEUROFIBROMATOSIS, TYPE I, SOMATIC; Peripheral type neurofibromatosis. Identifiers: Orphanet 636, MedGen C0027831, MONDO:0018975, OMIM 162200. Disease mechanism: loss of function.

Submission:

Labcorp Genetics (formerly Invitae), Labcorp
Classification: Pathogenic for Neurofibromatosis, type 1. Last evaluated: 2021-11-05. Review status: criteria provided, single submitter. Criteria: Invitae Variant Classification Sherloc (09022015). Collection method: clinical testing. Allele origin: germline.
Comment: This variant has not been reported in the literature in individuals affected with NF1-related conditions. This sequence change creates a premature translational stop signal (p.Glu767Hisfs*2) in the NF1 gene. It is expected to result in an absent or disrupted protein product. Loss-of-function variants in NF1 are known to be pathogenic (PMID: 10712197, 23913538). This variant is not present in population databases (gnomAD no frequency). For these reasons, this variant has been classified as Pathogenic.

Literature cited by the submitters: PubMed 10712197; PubMed 23913538.

NM_001042492.3(NF1):c.2295_2298dup (p.Glu767delinsHisTer)

Gene: NF1 (neurofibromin 1; plus strand). Cytogenetic location: 17q11.2.
Variant type: Duplication.
Coding change: c.2295_2298dup on transcript NM_001042492.3 (MANE Select); coding-DNA positions 2295 to 2298, 4 bases duplicated (CATT; older notation c.2295_2298dupCATT).
Protein change: p.Glu767delinsHisTer.
Molecular consequence: nonsense. On other transcripts: frameshift variant (1).
Genome position (GRCh38, 1-based): chr17:31,227,261-31,227,264, CATT duplicated. VCF-style (leftmost placement, unchanged base first): chr17-31227260-G-GCATT. GRCh37 (hg19) VCF-style: chr17-29554278-G-GCATT.
Other names: c.2295_2298dup, p.Glu767Hisfs (NM_000267.4).
Identifiers: ClinVar variation 1452752 (VCV001452752.6), dbSNP rs2151426942, ClinGen allele CA2573153271.